The following is an entry in ClinVar:

NM_001386298.1(CIC):c.4693G>A (p.Ala1565Thr)

Gene: CIC (capicua transcriptional repressor; plus strand). Cytogenetic location: 19q13.2.
Variant type: single nucleotide variant.
Coding change: c.4693G>A on transcript NM_001386298.1 (MANE Select); coding-DNA position 4693, G replaced by A.
Protein change: p.Ala1565Thr; replaces alanine 1565 with threonine.
Molecular consequence: missense variant.
Genome position (GRCh38, 1-based): chr19:42,290,734, G>A. VCF-style: chr19-42290734-G-A. GRCh37 (hg19) VCF-style: chr19-42794886-G-A.
Other names: c.4693G>A, p.Ala1565Thr (NM_001304815.2, NM_001379480.1, NM_001379482.1); c.1966G>A, p.Ala656Thr (NM_001379484.1, NM_001379485.1, NM_015125.5); short protein forms A1565T, A656T.
Identifiers: ClinVar variation 3363305 (VCV003363305.1).

ClinVar aggregate classification (germline): Uncertain significance (1 of 4 stars; one submission).

Submission:

GeneDx
Classification: Uncertain significance. Last evaluated: 2023-10-20. Review status: criteria provided, single submitter. Criteria: GeneDx Variant Classification Process June 2021. Collection method: clinical testing. Allele origin: germline. Affected: yes.
Comment: Not observed at significant frequency in large population cohorts (gnomAD); In silico analysis supports that this missense variant does not alter protein structure/function; Has not been previously published as pathogenic or benign to our knowledge